The following is an entry in ClinVar:

NM_000540.3(RYR1):c.6487C>G (p.Arg2163Gly)

Gene: RYR1 (ryanodine receptor 1; plus strand). Cytogenetic location: 19q13.2.
Variant type: single nucleotide variant.
Coding change: c.6487C>G on transcript NM_000540.3 (MANE Select); coding-DNA position 6487, C replaced by G.
Protein change: p.Arg2163Gly; replaces arginine 2163 with glycine.
Molecular consequence: missense variant.
Genome position (GRCh38, 1-based): chr19:38,494,564, C>G. VCF-style: chr19-38494564-C-G. GRCh37 (hg19) VCF-style: chr19-38985204-C-G.
Other names: c.6487C>G, p.Arg2163Gly (NM_001042723.2); short protein forms R2163G.
Identifiers: ClinVar variation 2760642 (VCV002760642.3), dbSNP rs118192175, ClinGen allele CA405664293.

ClinVar aggregate classification (germline): Likely pathogenic (1 of 4 stars; one submission).

Conditions:
RYR1-related disorder. Also called: RYR1-related condition; RYR1-related disorders. Identifiers: MedGen CN239331.

Submission:

Labcorp Genetics (formerly Invitae), Labcorp
Classification: Likely pathogenic for RYR1-related disorder. Last evaluated: 2023-09-14. Review status: criteria provided, single submitter. Criteria: Invitae Variant Classification Sherloc (09022015). Collection method: clinical testing. Allele origin: germline.
Comment: In summary, the currently available evidence indicates that the variant is pathogenic, but additional data are needed to prove that conclusively. Therefore, this variant has been classified as Likely Pathogenic. This variant disrupts the p.Arg2163 amino acid residue in RYR1. Other variant(s) that disrupt this residue have been determined to be pathogenic (PMID: 9497245, 12124989, 19648156, 29169929). This suggests that this residue is clinically significant, and that variants that disrupt this residue are likely to be disease-causing. Advanced modeling of protein sequence and biophysical properties (such as structural, functional, and spatial information, amino acid conservation, physicochemical variation, residue mobility, and thermodynamic stability) performed at Invitae indicates that this missense variant is expected to disrupt RYR1 protein function. This variant has not been reported in the literature in individuals affected with RYR1-related conditions. This variant is not present in population databases (gnomAD no frequency). This sequence change replaces arginine, which is basic and polar, with glycine, which is neutral and non-polar, at codon 2163 of the RYR1 protein (p.Arg2163Gly).

Literature cited by the submitters: PubMed 9497245; PubMed 12124989; PubMed 19648156; PubMed 29169929.